The following is an entry in ClinVar:

NM_002294.3(LAMP2):c.263T>G (p.Ile88Arg)

Gene: LAMP2 (lysosome associated membrane protein 2; minus strand). Cytogenetic location: Xq24.
Variant type: single nucleotide variant.
Coding change: c.263T>G on transcript NM_002294.3 (MANE Select); coding-DNA position 263, T replaced by G.
Protein change: p.Ile88Arg; replaces isoleucine 88 with arginine.
Molecular consequence: missense variant.
Genome position (GRCh38, 1-based): chrX:120,455,491, A>C on the plus strand (T>G on the coding strand, the complement: LAMP2 is on the minus strand). VCF-style: chrX-120455491-A-C. GRCh37 (hg19) VCF-style: chrX-119589346-A-C.
Other names: c.263T>G, p.Ile88Arg (NM_001122606.1, NM_013995.2); short protein forms I88R.
Identifiers: ClinVar variation 4746388 (VCV004746388.1).

ClinVar aggregate classification (germline): Uncertain significance (1 of 4 stars; one submission).

Conditions:
Danon disease. Also called: Glycogen Storage Disease Type IIb; ANTOPOL DISEASE; PSEUDOGLYCOGENOSIS II; GSD IIb; LYSOSOMAL GLYCOGEN STORAGE DISEASE WITHOUT ACID MALTASE DEFICIENCY. Identifiers: Orphanet 34587, MedGen C0878677, MONDO:0010281, OMIM 300257.

Submission:

Labcorp Genetics (formerly Invitae), Labcorp
Classification: Uncertain significance for Danon disease. Last evaluated: 2025-10-14. Review status: criteria provided, single submitter. Criteria: Invitae Variant Classification Sherloc (09022015). Collection method: clinical testing. Allele origin: germline.
Comment: This sequence change replaces isoleucine, which is neutral and non-polar, with arginine, which is basic and polar, at codon 88 of the LAMP2 protein (p.Ile88Arg). This variant is not present in population databases (gnomAD no frequency). This variant has not been reported in the literature in individuals affected with LAMP2-related conditions. Invitae Evidence Modeling of protein sequence and biophysical properties (such as structural, functional, and spatial information, amino acid conservation, physicochemical variation, residue mobility, and thermodynamic stability) indicates that this missense variant is expected to disrupt LAMP2 protein function with a positive predictive value of 80%. In summary, the available evidence is currently insufficient to determine the role of this variant in disease. Therefore, it has been classified as a Variant of Uncertain Significance.